The following is an entry in ClinVar:

ClinVar aggregate classification (germline): Uncertain significance (1 of 4 stars; one submission).

Submission:

Labcorp Genetics (formerly Invitae), Labcorp
Classification: Uncertain significance. Last evaluated: 2025-08-15. Review status: criteria provided, single submitter. Criteria: Invitae Variant Classification Sherloc (09022015). Collection method: clinical testing. Allele origin: germline.
Comment: This sequence change replaces valine, which is neutral and non-polar, with glycine, which is neutral and non-polar, at codon 130 of the TARS2 protein (p.Val130Gly). This variant is not present in population databases (gnomAD no frequency). This variant has not been reported in the literature in individuals affected with TARS2-related conditions. ClinVar contains an entry for this variant (Variation ID: 2120282). An algorithm developed to predict the effect of missense changes on protein structure and function (PolyPhen-2) suggests that this variant is likely to be disruptive. Algorithms developed to predict the effect of sequence changes on RNA splicing suggest that this variant may disrupt the consensus splice site. In summary, the available evidence is currently insufficient to determine the role of this variant in disease. Therefore, it has been classified as a Variant of Uncertain Significance.

NM_025150.5(TARS2):c.389T>G (p.Val130Gly)

Gene: TARS2 (threonyl-tRNA synthetase 2, mitochondrial; plus strand). Cytogenetic location: 1q21.2.
Variant type: single nucleotide variant.
Coding change: c.389T>G on transcript NM_025150.5 (MANE Select); coding-DNA position 389, T replaced by G.
Protein change: p.Val130Gly; replaces valine 130 with glycine.
Molecular consequence: missense variant.
Genome position (GRCh38, 1-based): chr1:150,490,602, T>G. VCF-style: chr1-150490602-T-G. GRCh37 (hg19) VCF-style: chr1-150463078-T-G.
Other names: c.389T>G, p.Val130Gly (NM_001271895.2, NM_001271896.2); short protein forms V130G.
Identifiers: ClinVar variation 2120282 (VCV002120282.2), dbSNP rs763168537, ClinGen allele CA342319833.